The following is an entry in ClinVar:

ClinVar aggregate classification (germline): Likely pathogenic (1 of 4 stars; one submission).

Conditions:
Dilated cardiomyopathy 1G (CMD1G). Identifiers: Orphanet 154, MedGen C1858763, MONDO:0011400, OMIM 604145.
Autosomal recessive limb-girdle muscular dystrophy type 2J (LGMDR10). Also called: Limb-girdle muscular dystrophy, type 2J; MUSCULAR DYSTROPHY, LIMB-GIRDLE, AUTOSOMAL RECESSIVE 10. Identifiers: Orphanet 140922, MedGen C1837342, MONDO:0012127, OMIM 608807.

Submission:

Labcorp Genetics (formerly Invitae), Labcorp
Classification: Likely pathogenic for Dilated cardiomyopathy 1G; Autosomal recessive limb-girdle muscular dystrophy type 2J. Last evaluated: 2023-05-10. Review status: criteria provided, single submitter. Criteria: Invitae Variant Classification Sherloc (09022015). Collection method: clinical testing. Allele origin: germline.
Comment: This sequence change creates a premature translational stop signal (p.Trp18000Metfs*5) in the TTN gene. While this is not anticipated to result in nonsense mediated decay, it is expected to create a truncated TTN protein. This variant is not present in population databases (gnomAD no frequency). This variant has not been reported in the literature in individuals affected with TTN-related conditions. This variant is located in the A band of TTN (PMID: 25589632). Truncating variants in this region are significantly overrepresented in patients affected with dilated cardiomyopathy (PMID: 25589632). Truncating variants in this region have also been reported in individuals affected with autosomal recessive centronuclear myopathy (PMID: 23975875). In summary, the currently available evidence indicates that the variant is pathogenic, but additional data are needed to prove that conclusively. Therefore, this variant has been classified as Likely Pathogenic.

Literature cited by the submitters: PubMed 25589632; PubMed 23975875.

NM_001267550.2(TTN):c.53997dup (p.Trp18000fs)

Genes: TTN-AS1 (TTN antisense RNA 1; plus strand), TTN (titin; minus strand). Cytogenetic location: 2q31.2.
Variant type: Duplication.
Coding change: c.53997dup on transcript NM_001267550.2 (MANE Select); coding-DNA position 53997, one base duplicated (A; older notation c.53997dupA).
Protein change: p.Trp18000fs; shifts the reading frame from tryptophan 18000.
Molecular consequence: frameshift variant. On other transcripts: non-coding transcript variant (1).
Genome position (GRCh38, 1-based): chr2:178,605,180, T duplicated on the plus strand (A on the coding strand, the reverse complement: TTN is on the minus strand); the first of 2 consecutive T bases (chr2:178,605,180-178,605,181); duplicating either gives the same sequence. VCF-style (leftmost placement, unchanged base first): chr2-178605179-A-AT. GRCh37 (hg19) VCF-style: chr2-179469906-A-AT.
Other names: c.49074dup, p.Trp16359fs (NM_001256850.1); c.26802dup, p.Trp8935fs (NM_003319.4); c.46293dup, p.Trp15432fs (NM_133378.4); c.27177dup, p.Trp9060fs (NM_133432.3); c.27378dup, p.Trp9127fs (NM_133437.4); short protein forms W15432fs, W9060fs, W9127fs, W16359fs, W18000fs, W8935fs.
Identifiers: ClinVar variation 2947633 (VCV002947633.3), dbSNP rs2470175931, ClinGen allele CA2740096113.